The following is an entry in ClinVar:

NM_002335.4(LRP5):c.358A>G (p.Lys120Glu)

Gene: LRP5 (LDL receptor related protein 5; plus strand). Cytogenetic location: 11q13.2.
Variant type: single nucleotide variant.
Coding change: c.358A>G on transcript NM_002335.4 (MANE Select); coding-DNA position 358, A replaced by G.
Protein change: p.Lys120Glu; replaces lysine 120 with glutamic acid.
Molecular consequence: missense variant. On other transcripts: 5 prime UTR variant (1).
Genome position (GRCh38, 1-based): chr11:68,348,113, A>G. VCF-style: chr11-68348113-A-G. GRCh37 (hg19) VCF-style: chr11-68115581-A-G.
Other names: c.-1408A>G (NM_001291902.2); short protein forms K120E.
Identifiers: ClinVar variation 857811 (VCV000857811.12), dbSNP rs752483392, ClinGen allele CA6148965.
Genomic context (GRCh38, chr11:68,348,113, plus strand): 5'-CAGAACGTGGTCATCTCCGGCCTGGTCTCTCCCGACGGCCTCGCCTGCGACTGGGTGGGC[A>G]AGAAGCTGTACTGGACGGACTCAGAGACCAACCGCATCGAGGTGGCCAACCTCAATGGCA-3'
Protein context (NP_002326.2, residues 110-130): PDGLACDWVG[Lys120Glu]KLYWTDSETN

ClinVar aggregate classification (germline): Uncertain significance. Review status: criteria provided, multiple submitters, no conflicts (2 of 4 stars). 3 submissions from 3 submitters: Uncertain significance (3). Last evaluated 2026-01-02.

Conditions:
Polycystic liver disease 4 with or without kidney cysts. Identifiers: MedGen C4693479, MONDO:0044327, OMIM 617875.
Exudative vitreoretinopathy 1 (EVR1). Also called: CRISWICK-SCHEPENS SYNDROME; FEVR, AUTOSOMAL DOMINANT; Familial exudative vitreoretinopathy, autosomal dominant. Identifiers: Orphanet 891, Orphanet 90050, MedGen C1851402, MONDO:0007589, OMIM 133780.
Osteoporosis with pseudoglioma (OPPG). Also called: osteoporosis-pseudoglioma syndrome. Identifiers: Orphanet 2788, MedGen C0432252, MONDO:0009820, OMIM 259770.
Exudative vitreoretinopathy 4 (EVR4). Identifiers: Orphanet 891, MedGen C1866176, MONDO:0011151, OMIM 601813.
Autosomal dominant osteopetrosis 1 (OPTA1). Also called: OSTEOPETROSIS, AUTOSOMAL DOMINANT, TYPE I. Identifiers: Orphanet 2783, MedGen C1843330, MONDO:0011877, OMIM 607634.
Osteoporosis. Identifiers: MedGen C0029456, MONDO:0005298, OMIM 166710, HP:0000939.
Worth disease. Also called: ENDOSTEAL HYPEROSTOSIS, AUTOSOMAL DOMINANT; OSTEOSCLEROSIS, AUTOSOMAL DOMINANT; Autosomal dominant osteosclerosis, Worth type. Identifiers: Orphanet 2790, MedGen C0432273, MONDO:0007764, OMIM 144750.
Bone mineral density quantitative trait locus 1 (BMND1). Identifiers: MedGen C1866079, OMIM 601884.
LRP5-related disorder. Also called: LRP5-related condition.

Allele frequency attached by ClinVar (database versions not stated): ExAC 0.00001; gnomAD 0.00001; TOPMed 0.00001; gnomAD exomes 0.00002.
gnomAD v4.1: 24 of 1,614,004 alleles (0.0015%); highest among the groups gnomAD compares: Admixed American, 0.0033%; no homozygotes.

Submissions (3):

Labcorp Genetics (formerly Invitae), Labcorp
Classification: Uncertain significance. Last evaluated: 2026-01-02. Review status: criteria provided, single submitter. Criteria: Invitae Variant Classification Sherloc (09022015). Collection method: clinical testing. Allele origin: germline.
Comment: This sequence change replaces lysine, which is basic and polar, with glutamic acid, which is acidic and polar, at codon 120 of the LRP5 protein (p.Lys120Glu). This variant is present in population databases (rs752483392, gnomAD 0.007%). This variant has not been reported in the literature in individuals affected with LRP5-related conditions. ClinVar contains an entry for this variant (Variation ID: 857811). Invitae Evidence Modeling of protein sequence and biophysical properties (such as structural, functional, and spatial information, amino acid conservation, physicochemical variation, residue mobility, and thermodynamic stability) indicates that this missense variant is not expected to disrupt LRP5 protein function with a negative predictive value of 95%. In summary, the available evidence is currently insufficient to determine the role of this variant in disease. Therefore, it has been classified as a Variant of Uncertain Significance.

PreventionGenetics, part of Exact Sciences
Classification: Uncertain significance for LRP5-related condition. Last evaluated: 2025-07-17. Review status: criteria provided, single submitter. Criteria: ACMG Guidelines, 2015. Collection method: clinical testing. Allele origin: germline.
Comment: The LRP5 c.358A>G variant is predicted to result in the amino acid substitution p.Lys120Glu. This variant has been reported in two siblings with familial exudative vitreoretinopathy (Guemes-Villahoz et al. 2021. PubMed ID: 34038691). This variant is reported in 0.0062% of alleles in individuals of African descent in gnomAD. At this time, the clinical significance of this variant is uncertain due to the absence of conclusive functional and genetic evidence.

Fulgent Genetics
Classification: Uncertain significance for Exudative vitreoretinopathy 1; Worth disease; Osteoporosis; Osteoporosis with pseudoglioma; Exudative vitreoretinopathy 4; Bone mineral density quantitative trait locus 1; Autosomal dominant osteopetrosis 1; Polycystic liver disease 4 with or without kidney cysts. Last evaluated: 2022-03-12. Review status: criteria provided, single submitter. Criteria: ACMG Guidelines, 2015. Collection method: clinical testing. Allele origin: unknown.